The following is an entry in ClinVar:

NM_024513.4(FYCO1):c.2690A>G (p.Gln897Arg)

Gene: FYCO1 (FYVE and coiled-coil domain autophagy adaptor 1; minus strand). Cytogenetic location: 3p21.31.
Variant type: single nucleotide variant.
Coding change: c.2690A>G on transcript NM_024513.4 (MANE Select); coding-DNA position 2690, A replaced by G.
Protein change: p.Gln897Arg; replaces glutamine 897 with arginine.
Molecular consequence: missense variant.
Genome position (GRCh38, 1-based): chr3:45,966,644, T>C on the plus strand (A>G on the coding strand, the complement: FYCO1 is on the minus strand). VCF-style: chr3-45966644-T-C. GRCh37 (hg19) VCF-style: chr3-46008136-T-C.
Other names: c.2690A>G (NM_024513.2); short protein forms Q897R.
Identifiers: ClinVar variation 468442 (VCV000468442.6), dbSNP rs751793566, ClinGen allele CA2352987.

ClinVar aggregate classification (germline): Uncertain significance. Review status: criteria provided, multiple submitters, no conflicts (2 of 4 stars). 2 submissions from 2 submitters: Uncertain significance (2). Last evaluated 2024-04-01.

Conditions:
Inborn genetic diseases. Identifiers: MedGen C0950123, MeSH D030342.
Cataract 18 (CATC2). Also called: CATARACT 18, AUTOSOMAL RECESSIVE. Identifiers: Orphanet 91492, Orphanet 98991, Orphanet 98992, Orphanet 98995, MedGen C1864908, MONDO:0012395, OMIM 610019.

Allele frequency attached by ClinVar (database versions not stated): gnomAD exomes 0.00001 and 0.00005; ExAC 0.00002; gnomAD 0.00003; TOPMed 0.00003.
gnomAD v4.1: 73 of 1,614,038 alleles (0.0045%); highest among the groups gnomAD compares: Non-Finnish European, 0.0061%; no homozygotes.

Submissions (2):

Ambry Genetics
Classification: Uncertain significance for Inborn genetic diseases. Last evaluated: 2024-04-01. Review status: criteria provided, single submitter. Criteria: Ambry Variant Classification Scheme 2023. Collection method: clinical testing. Allele origin: germline.

Labcorp Genetics (formerly Invitae), Labcorp
Classification: Uncertain significance for Cataract 18. Last evaluated: 2016-12-08. Review status: criteria provided, single submitter. Criteria: Invitae Variant Classification Sherloc (09022015). Collection method: clinical testing. Allele origin: germline.
Comment: This variant is present in population databases (rs751793566, ExAC 0.003%) but has not been reported in the literature in individuals with a FYCO1-related disease. This sequence change replaces glutamine with arginine at codon 897 of the FYCO1 protein (p.Gln897Arg). The glutamine residue is highly conserved and there is a small physicochemical difference between glutamine and arginine. Algorithms developed to predict the effect of missense changes on protein structure and function do not agree on the potential impact of this missense change (SIFT: "Tolerated"; PolyPhen-2: "Probably Damaging"; Align-GVGD: "Class C0"). In summary, this variant is a rare missense change with uncertain impact on protein function. There is no indication that it causes disease, but the available evidence is currently insufficient to prove that conclusively. Therefore, it has been classified as a Variant of Uncertain Significance.